The following is an entry in ClinVar:

ClinVar aggregate classification (germline): Conflicting classifications of pathogenicity. Review status: criteria provided, conflicting classifications (1 of 4 stars). 2 submissions from 2 submitters: Uncertain significance (1); Likely benign (1). Last evaluated 2024-11-26.

Conditions:
Inborn genetic diseases. Identifiers: MedGen C0950123, MeSH D030342.

Allele frequency attached by ClinVar (database versions not stated): gnomAD exomes below 0.00001 and 0.00001; TOPMed below 0.00001; gnomAD 0.00001.

Submissions (2):

Ambry Genetics
Classification: Likely benign for Inborn genetic diseases. Last evaluated: 2024-11-26. Review status: criteria provided, single submitter. Criteria: Ambry Variant Classification Scheme 2023. Collection method: clinical testing. Allele origin: germline.

Labcorp Genetics (formerly Invitae), Labcorp
Classification: Uncertain significance. Last evaluated: 2024-02-25. Review status: criteria provided, single submitter. Criteria: Invitae Variant Classification Sherloc (09022015). Collection method: clinical testing. Allele origin: germline.
Comment: This sequence change replaces leucine, which is neutral and non-polar, with proline, which is neutral and non-polar, at codon 7 of the ZNF408 protein (p.Leu7Pro). This variant is present in population databases (no rsID available, gnomAD 0.0009%). This variant has not been reported in the literature in individuals affected with ZNF408-related conditions. ClinVar contains an entry for this variant (Variation ID: 835031). Experimental studies and prediction algorithms are not available or were not evaluated, and the functional significance of this variant is currently unknown. In summary, the available evidence is currently insufficient to determine the role of this variant in disease. Therefore, it has been classified as a Variant of Uncertain Significance.

NM_024741.3(ZNF408):c.20T>C (p.Leu7Pro)

Genes: ZNF408 (zinc finger protein 408; plus strand), LOC130005659 (ATAC-STARR-seq lymphoblastoid active region 4684; plus strand). Cytogenetic location: 11p11.2.
Variant type: single nucleotide variant.
Coding change: c.20T>C on transcript NM_024741.3 (MANE Select); coding-DNA position 20, T replaced by C.
Protein change: p.Leu7Pro; replaces leucine 7 with proline.
Molecular consequence: missense variant. On other transcripts: 5 prime UTR variant (1).
Genome position (GRCh38, 1-based): chr11:46,701,067, T>C. VCF-style: chr11-46701067-T-C. GRCh37 (hg19) VCF-style: chr11-46722617-T-C.
Other names: c.-47T>C (NM_001184751.2); short protein forms L7P.
Identifiers: ClinVar variation 835031 (VCV000835031.11), dbSNP rs1240113334, ClinGen allele CA380251346.
Genomic context (GRCh38, chr11:46,701,067, plus strand): 5'-AGGAAGCTCACTTCCGGCGTAGGGAGGCTTTCTGACCCGGAATGGAGGAGGCGGAGGAGC[T>C]GCTCTTGGAGGGGAAGAAGGCGCTGCAACTCGGTGAGTGACCTGCGATGTCCGCGACCCT-3'
Protein context (NP_079017.1, residues 1-17): MEEAEE[Leu7Pro]LLEGKKALQL